The following is an entry in ClinVar:

NM_001379500.1(COL18A1):c.2157+1G>A

Gene: COL18A1 (collagen type XVIII alpha 1 chain; plus strand). Cytogenetic location: 21q22.3.
Variant type: single nucleotide variant.
Coding change: c.2157+1G>A on transcript NM_001379500.1 (MANE Select); the canonical splice donor site of the intron after coding-DNA position 2157, G replaced by A.
Molecular consequence: splice donor variant.
Genome position (GRCh38, 1-based): chr21:45,491,315, G>A. VCF-style: chr21-45491315-G-A. GRCh37 (hg19) VCF-style: chr21-46911229-G-A.
Other names: c.3402+1G>A (NM_130444.3); c.2697+1G>A (NM_030582.4).
Identifiers: ClinVar variation 2033205 (VCV002033205.5), dbSNP rs1409030092, ClinGen allele CA410497107.
Genomic context (GRCh38, chr21:45,491,315, plus strand): 5'-CCGGGCCTCCCTGGCCCCCCCGGACCCCCGGGACCTGTGGTCTACGTGTCGGAGCAGGAC[G>A]TAAGGACGCTGCGTGGGTGGGCACCCAATCTGTCCAGACCCCCCACGGGGTGCAGAGATC-3'

ClinVar aggregate classification (germline): Likely pathogenic. Review status: criteria provided, multiple submitters, no conflicts (2 of 4 stars). 2 submissions from 2 submitters: Likely pathogenic (2). Last evaluated 2022-11-01.

Conditions:
COL18A1-related disorder. Also called: COL18A1-related disorders; COL18A1-related condition.

Allele frequency attached by ClinVar (database versions not stated): gnomAD exomes 0.00001.
gnomAD v4.1: 11 of 1,609,742 alleles (0.00068%); highest among the groups gnomAD compares: East Asian, 0.0022%; no homozygotes.

Submissions (2):

Labcorp Genetics (formerly Invitae), Labcorp
Classification: Likely pathogenic. Last evaluated: 2022-11-01. Review status: criteria provided, single submitter. Criteria: Invitae Variant Classification Sherloc (09022015). Collection method: clinical testing. Allele origin: germline.
Comment: In summary, the currently available evidence indicates that the variant is pathogenic, but additional data are needed to prove that conclusively. Therefore, this variant has been classified as Likely Pathogenic. This sequence change affects a donor splice site in intron 22 of the COL18A1 gene. It is expected to disrupt RNA splicing. Variants that disrupt the donor or acceptor splice site typically lead to a loss of protein function (PMID: 16199547), and loss-of-function variants in COL18A1 are known to be pathogenic (PMID: 12415512, 25456301). This variant is present in population databases (no rsID available, gnomAD 0.007%). This variant has not been reported in the literature in individuals affected with COL18A1-related conditions. Algorithms developed to predict the effect of sequence changes on RNA splicing suggest that this variant may disrupt the consensus splice site.

Blueprint Genetics
Classification: Likely pathogenic for COL18A1-related disorders. Last evaluated: 2018-08-22. Review status: criteria provided, single submitter. Criteria: ACMG Guidelines, 2015. Collection method: clinical testing. Allele origin: germline. Affected: yes. Observed: 1 variant allele.

Literature cited by the submitters: PubMed 16199547 (cited by Labcorp Genetics (formerly Invitae), Labcorp); PubMed 12415512 (cited by Labcorp Genetics (formerly Invitae), Labcorp); PubMed 25456301 (cited by Labcorp Genetics (formerly Invitae), Labcorp).